The following is an entry in ClinVar:

NM_005477.3(HCN4):c.3028G>A (p.Ala1010Thr)

Gene: HCN4 (hyperpolarization activated cyclic nucleotide gated potassium channel 4; minus strand). Cytogenetic location: 15q24.1.
Variant type: single nucleotide variant.
Coding change: c.3028G>A on transcript NM_005477.3 (MANE Select); coding-DNA position 3028, G replaced by A.
Protein change: p.Ala1010Thr; replaces alanine 1010 with threonine.
Molecular consequence: missense variant.
Genome position (GRCh38, 1-based): chr15:73,323,065, C>T on the plus strand (G>A on the coding strand, the complement: HCN4 is on the minus strand). VCF-style: chr15-73323065-C-T. GRCh37 (hg19) VCF-style: chr15-73615406-C-T.
Other names: short protein forms A1010T.
Identifiers: ClinVar variation 3014945 (VCV003014945.3), dbSNP rs748634893, ClinGen allele CA7648901.

ClinVar aggregate classification (germline): Uncertain significance (1 of 4 stars; one submission).

Conditions:
Brugada syndrome 8 (BRGDA8). Identifiers: Orphanet 130, MedGen C2751083, MONDO:0013148, OMIM 613123.

Allele frequency attached by ClinVar (database versions not stated): ExAC 0.00002.
gnomAD v4.1: 4 of 1,547,386 alleles (0.00026%); highest among the groups gnomAD compares: Non-Finnish European, 0.00035%; no homozygotes.

Submission:

Labcorp Genetics (formerly Invitae), Labcorp
Classification: Uncertain significance for Brugada syndrome 8. Last evaluated: 2023-06-20. Review status: criteria provided, single submitter. Criteria: Invitae Variant Classification Sherloc (09022015). Collection method: clinical testing. Allele origin: germline.
Comment: This variant has not been reported in the literature in individuals affected with HCN4-related conditions. This sequence change replaces alanine, which is neutral and non-polar, with threonine, which is neutral and polar, at codon 1010 of the HCN4 protein (p.Ala1010Thr). The frequency data for this variant in the population databases is considered unreliable, as metrics indicate poor data quality at this position in the gnomAD database. Advanced modeling of protein sequence and biophysical properties (such as structural, functional, and spatial information, amino acid conservation, physicochemical variation, residue mobility, and thermodynamic stability) performed at Invitae indicates that this missense variant is not expected to disrupt HCN4 protein function. In summary, the available evidence is currently insufficient to determine the role of this variant in disease. Therefore, it has been classified as a Variant of Uncertain Significance.